The following is an entry in ClinVar:

NM_001276270.2(MBD4):c.1664A>T (p.His555Leu)

Gene: MBD4 (methyl-CpG binding domain 4, DNA glycosylase; minus strand). Cytogenetic location: 3q21.3.
Variant type: single nucleotide variant.
Coding change: c.1664A>T on transcript NM_001276270.2 (MANE Select); coding-DNA position 1664, A replaced by T.
Protein change: p.His555Leu; replaces histidine 555 with leucine.
Molecular consequence: missense variant. On other transcripts: 3 prime UTR variant (1).
Genome position (GRCh38, 1-based): chr3:129,431,562, T>A on the plus strand (A>T on the coding strand, the complement: MBD4 is on the minus strand). VCF-style: chr3-129431562-T-A. GRCh37 (hg19) VCF-style: chr3-129150405-T-A.
Other names: c.*6A>T (NM_001276272.2); c.728A>T, p.His243Leu (NM_001276273.2); c.1682A>T, p.His561Leu (NM_003925.3); short protein forms H243L, H555L, H561L.
Identifiers: ClinVar variation 4859613 (VCV004859613.1).

ClinVar aggregate classification (germline): Uncertain significance (1 of 4 stars; one submission).

Conditions:
Inborn genetic diseases. Identifiers: MedGen C0950123, MeSH D030342.

Submission:

Ambry Genetics
Classification: Uncertain significance for Inborn genetic diseases. Last evaluated: 2026-05-21. Review status: criteria provided, single submitter. Criteria: Ambry Variant Classification Scheme 2023. Collection method: clinical testing. Allele origin: germline.
Comment: The p.H555L variant (also known as c.1664A>T), located in coding exon 8 of the MBD4 gene, results from an A to T substitution at nucleotide position 1664. The histidine at codon 555 is replaced by leucine, an amino acid with similar properties. This amino acid position is conserved. In addition, the in silico prediction for this alteration is inconclusive. Based on the available evidence, the clinical significance of this variant remains unclear.